The following is an entry in ClinVar:

NM_021146.4(ANGPTL7):c.987C>T (p.Thr329=)

Genes: ANGPTL7 (angiopoietin like 7; plus strand), MTOR (mechanistic target of rapamycin kinase; minus strand). Cytogenetic location: 1p36.22.
Variant type: single nucleotide variant.
Coding change: c.987C>T on transcript NM_021146.4 (MANE Select); coding-DNA position 987, C replaced by T.
Protein change: p.Thr329=; no amino-acid change (threonine 329 retained).
Molecular consequence: synonymous variant. On other transcripts: intron variant (3).
Genome position (GRCh38, 1-based): chr1:11,194,969, C>T. VCF-style: chr1-11194969-C-T. GRCh37 (hg19) VCF-style: chr1-11255026-C-T.
Other names: c.3005+4289G>A (NM_001386501.1); c.4253+4289G>A (NM_004958.4, NM_001386500.1).
Identifiers: ClinVar variation 3771086 (VCV003771086.13).

ClinVar aggregate classification (germline): Likely benign (1 of 4 stars; one submission).

gnomAD v4.1: 682 of 1,614,094 alleles (0.042%); highest among the groups gnomAD compares: South Asian, 0.62%; 10 homozygotes.

Submission:

CeGaT Center for Human Genetics Tuebingen
Classification: Likely benign. Last evaluated: 2025-05-01. Review status: criteria provided, single submitter. Criteria: CeGaT Center For Human Genetics Tuebingen Variant Classification Criteria Version 2. Collection method: clinical testing. Allele origin: germline. Affected: yes. Observed: 3 variant alleles.
Comment: ANGPTL7: BP4, BP7